The following is an entry in ClinVar:

ClinVar aggregate classification (germline): Uncertain significance (1 of 4 stars; one submission).

Conditions:
Neurodevelopmental disorder with or without hyperkinetic movements and seizures, autosomal dominant. Also called: Intellectual disability, autosomal dominant 8. Identifiers: MedGen C3280282, MONDO:0013655, OMIM 614254.

Allele frequency attached by ClinVar (database versions not stated): gnomAD exomes below 0.00001.

Submission:

Labcorp Genetics (formerly Invitae), Labcorp
Classification: Uncertain significance for Neurodevelopmental disorder with or without hyperkinetic movements and seizures, autosomal dominant. Last evaluated: 2024-09-10. Review status: criteria provided, single submitter. Criteria: Invitae Variant Classification Sherloc (09022015). Collection method: clinical testing. Allele origin: germline.
Comment: This sequence change replaces arginine, which is basic and polar, with glutamine, which is neutral and polar, at codon 306 of the GRIN1 protein (p.Arg306Gln). This variant is not present in population databases (gnomAD no frequency). This variant has not been reported in the literature in individuals affected with GRIN1-related conditions. Invitae Evidence Modeling of protein sequence and biophysical properties (such as structural, functional, and spatial information, amino acid conservation, physicochemical variation, residue mobility, and thermodynamic stability) has been performed for this missense variant. However, the output from this modeling did not meet the statistical confidence thresholds required to predict the impact of this variant on GRIN1 protein function. In summary, the available evidence is currently insufficient to determine the role of this variant in disease. Therefore, it has been classified as a Variant of Uncertain Significance.

NM_007327.4(GRIN1):c.917G>A (p.Arg306Gln)

Gene: GRIN1 (glutamate ionotropic receptor NMDA type subunit 1; plus strand). Cytogenetic location: 9q34.3.
Variant type: single nucleotide variant.
Coding change: c.917G>A on transcript NM_007327.4 (MANE Select); coding-DNA position 917, G replaced by A.
Protein change: p.Arg306Gln; replaces arginine 306 with glutamine.
Molecular consequence: missense variant.
Genome position (GRCh38, 1-based): chr9:137,156,986, G>A. VCF-style: chr9-137156986-G-A. GRCh37 (hg19) VCF-style: chr9-140051438-G-A.
Other names: c.917G>A, p.Arg306Gln (NM_000832.7, NM_021569.4); c.980G>A, p.Arg327Gln (NM_001185090.2, NM_001185091.2); short protein forms R306Q, R327Q.
Identifiers: ClinVar variation 3005744 (VCV003005744.3), dbSNP rs2538597629, ClinGen allele CA375715157.
Genomic context (GRCh38, chr9:137,156,986, plus strand): 5'-GCGTGGTGGCCCAGGCCGTGCACGAGCTCCTCGAGAAGGAGAACATCACCGACCCGCCGC[G>A]GGGCTGCGTGGGCAACACCAACATCTGGAAGACCGGGCCGCTCTTCAAGAGGTGGGCGGG-3'
Protein context (NP_015566.1, residues 296-316): LEKENITDPP[Arg306Gln]GCVGNTNIWK